The following is an entry in ClinVar:

ClinVar aggregate classification (germline): Conflicting classifications of pathogenicity. Review status: criteria provided, conflicting classifications (1 of 4 stars). 9 submissions from 9 submitters: Uncertain significance (1); Benign (1); Likely benign (7). Last evaluated 2025-11-26.

Conditions:
Cardiovascular phenotype. Identifiers: MedGen CN230736.
Familial isolated arrhythmogenic right ventricular dysplasia. Identifiers: Orphanet 217656, MedGen C4274968, MONDO:0016342.
Cardiomyopathy (CMYO). Also called: Cardiomyopathies. Identifiers: Orphanet 167848, MedGen C0878544, MONDO:0004994, HP:0001638. Inheritance: Various modes of inheritance.
Arrhythmogenic right ventricular dysplasia 11. Also called: Arrhythmogenic Right Ventricular Dysplasia/Cardiomyopathy11; ARRHYTHMOGENIC RIGHT VENTRICULAR DYSPLASIA, FAMILIAL, 11; Arrhythmogenic right ventricular dysplasia 11 with mild palmoplantar keratoderma and woolly hair. Identifiers: MedGen C1864850, MONDO:0012506, OMIM 610476.

Allele frequency attached by ClinVar (database versions not stated): TOPMed 0.00005; gnomAD 0.00006; ExAC 0.00007; gnomAD exomes 0.00008; ESP Exome Variant Server 0.00015.
gnomAD v4.1: 85 of 1,613,478 alleles (0.0053%); highest among the groups gnomAD compares: Admixed American, 0.013%; no homozygotes.

Submissions (9):

Labcorp Genetics (formerly Invitae), Labcorp
Classification: Benign for Arrhythmogenic right ventricular dysplasia 11. Last evaluated: 2025-11-26. Review status: criteria provided, single submitter. Criteria: Invitae Variant Classification Sherloc (09022015). Collection method: clinical testing. Allele origin: germline.

CeGaT Center for Human Genetics Tuebingen
Classification: Likely benign. Last evaluated: 2025-01-01. Review status: criteria provided, single submitter. Criteria: CeGaT Center For Human Genetics Tuebingen Variant Classification Criteria Version 2. Collection method: clinical testing. Allele origin: germline. Affected: yes. Observed: 2 variant alleles.
Comment: DSC2: BP4, BP7

All of Us Research Program, National Institutes of Health
Classification: Likely benign for Familial isolated arrhythmogenic right ventricular dysplasia. Last evaluated: 2024-01-11. Review status: criteria provided, single submitter. Criteria: ACMG Guidelines, 2015. Collection method: clinical testing. Allele origin: germline. Inheritance: Autosomal dominant inheritance. Observed: 11 variant alleles, 11 heterozygotes.
Comment: This study involves interpretation of variants in research participants for the purpose of population health screening. Participant phenotype was not available at the time of variant classification. Additional details can be found in publication PMID: 35346344, PMCID: PMC8962531

Women's Health and Genetics/Laboratory Corporation of America, LabCorp
Classification: Likely benign. Last evaluated: 2021-03-25. Review status: criteria provided, single submitter. Criteria: LabCorp Variant Classification Summary - May 2015. Collection method: clinical testing. Allele origin: germline.

Ambry Genetics
Classification: Likely benign for Cardiovascular phenotype. Last evaluated: 2020-10-29. Review status: criteria provided, single submitter. Criteria: Ambry Variant Classification Scheme 2023. Collection method: clinical testing. Allele origin: germline.

Color Diagnostics, LLC DBA Color Health
Classification: Likely benign for Cardiomyopathy. Last evaluated: 2018-11-08. Review status: criteria provided, single submitter. Criteria: ACMG Guidelines, 2015. Collection method: clinical testing. Allele origin: germline.

GeneDx
Classification: Likely benign. Last evaluated: 2018-07-06. Review status: criteria provided, single submitter. Criteria: GeneDx Variant Classification Process June 2021. Collection method: clinical testing. Allele origin: germline. Affected: yes.

Illumina Laboratory Services, Illumina
Classification: Uncertain significance for Arrhythmogenic right ventricular dysplasia 11. Last evaluated: 2018-01-12. Review status: criteria provided, single submitter. Criteria: ICSL Variant Classification Criteria 13 December 2019. Collection method: clinical testing. Allele origin: germline.

Laboratory for Molecular Medicine, Mass General Brigham Personalized Medicine
Classification: Likely benign. Last evaluated: 2012-03-19. Review status: criteria provided, single submitter. Criteria: LMM Criteria. Collection method: clinical testing. Allele origin: germline. Observed: 1 variant allele.
Comment: p.Thr713Thr in Exon 14 of DSC2: This variant is not expected to have clinical si gnificance because it does not alter an amino acid residue, is not located withi n the splice consensus sequence. It has been identified in 1/7020 European Ameri can chromosomes from a broad population by the NHLBI Exome Sequencing Project (dbSNP rs112532429).

NM_024422.6(DSC2):c.2139G>A (p.Thr713=)

Gene: DSC2 (desmocollin 2; minus strand). Cytogenetic location: 18q12.1.
Variant type: single nucleotide variant.
Coding change: c.2139G>A on transcript NM_024422.6 (MANE Select); coding-DNA position 2139, G replaced by A.
Protein change: p.Thr713=; no amino-acid change (threonine 713 retained).
Molecular consequence: synonymous variant.
Genome position (GRCh38, 1-based): chr18:31,070,837, C>T on the plus strand (G>A on the coding strand, the complement: DSC2 is on the minus strand). VCF-style: chr18-31070837-C-T. GRCh37 (hg19) VCF-style: chr18-28650803-C-T.
Other names: c.2139G>A, p.Thr713= (NM_004949.5).
Identifiers: ClinVar variation 178017 (VCV000178017.40), dbSNP rs112532429, ClinGen allele CA022613.